The following is an entry in ClinVar:

ClinVar aggregate classification (germline): Benign. Review status: criteria provided, multiple submitters, no conflicts (2 of 4 stars). 10 submissions from 4 submitters: Benign (10). Last evaluated 2021-12-05.

Conditions:
Drash syndrome (DDS). Also called: NEPHROPATHY, WILMS TUMOR, AND GENITAL ANOMALIES; WILMS TUMOR AND PSEUDO- OR TRUE HERMAPHRODITISM. Identifiers: Orphanet 220, MedGen C0950121, MONDO:0008682, OMIM 194080.
Frasier syndrome. Identifiers: Orphanet 347, MedGen C0950122, MeSH D052159, MONDO:0007635, OMIM 136680.
Nephrotic syndrome, type 4 (NPHS4). Also called: Familial mesangial sclerosis; Nephrotic syndrome, early onset with diffuse mesangial sclerosis. Identifiers: Orphanet 656, MedGen C3151568, MONDO:0009733, OMIM 256370.
Wilms tumor 1 (WT1). Also called: Wilms tumor, somatic. Identifiers: Orphanet 654, MedGen CN033288, MONDO:0008679, OMIM 194070.
Meacham syndrome. Also called: Meacham Winn Culler syndrome. Identifiers: Orphanet 3097, MedGen C1837026, MONDO:0012164, OMIM 608978.

Allele frequency attached by ClinVar (database versions not stated): 1000 Genomes Project 0.13019; gnomAD 0.13307 and 0.13669; 1000 Genomes Project 30x 0.13320; TOPMed 0.14006.
gnomAD v4.1: 71,422 of 707,270 alleles (10%); highest among the groups gnomAD compares: African/African-American, 26%; 4,806 homozygotes.

Submissions (10):

Genome-Nilou Lab
Classification: Benign for Drash syndrome. Last evaluated: 2021-12-05. Review status: criteria provided, single submitter. Criteria: ACMG Guidelines, 2015. Collection method: clinical testing. Allele origin: germline. Affected: no.

Genome-Nilou Lab
Classification: Benign for Frasier syndrome. Last evaluated: 2021-12-05. Review status: criteria provided, single submitter. Criteria: ACMG Guidelines, 2015. Collection method: clinical testing. Allele origin: germline. Affected: no.

Genome-Nilou Lab
Classification: Benign for Meacham syndrome. Last evaluated: 2021-12-05. Review status: criteria provided, single submitter. Criteria: ACMG Guidelines, 2015. Collection method: clinical testing. Allele origin: germline. Affected: no.

Genome-Nilou Lab
Classification: Benign for Nephrotic syndrome, type 4. Last evaluated: 2021-12-05. Review status: criteria provided, single submitter. Criteria: ACMG Guidelines, 2015. Collection method: clinical testing. Allele origin: germline. Affected: no.

Genome-Nilou Lab
Classification: Benign for Wilms tumor 1. Last evaluated: 2021-12-05. Review status: criteria provided, single submitter. Criteria: ACMG Guidelines, 2015. Collection method: clinical testing. Allele origin: germline. Affected: no.

GeneDx
Classification: Benign. Last evaluated: 2018-06-16. Review status: criteria provided, single submitter. Criteria: GeneDx Variant Classification Process June 2021. Collection method: clinical testing. Allele origin: germline. Affected: yes.

Illumina Laboratory Services, Illumina
Classification: Benign for Wilms tumor 1. Last evaluated: 2018-01-13. Review status: criteria provided, single submitter. Criteria: ICSL Variant Classification Criteria 13 December 2019. Collection method: clinical testing. Allele origin: germline.
Comment: This variant was observed in the ICSL laboratory as part of a predisposition screen in an ostensibly healthy population. It had not been previously curated by ICSL or reported in the Human Gene Mutation Database (HGMD: prior to June 1st, 2018), and was therefore a candidate for classification through an automated scoring system. Utilizing variant allele frequency, disease prevalence and penetrance estimates, and inheritance mode, an automated score was calculated to assess if this variant is too frequent to cause the disease. Based on the score and internal cut-off values, a variant classified as benign is not then subjected to further curation. The score for this variant resulted in a classification of benign for this disease.

Illumina Laboratory Services, Illumina
Classification: Benign for Meacham syndrome. Last evaluated: 2018-01-13. Review status: criteria provided, single submitter. Criteria: ICSL Variant Classification Criteria 13 December 2019. Collection method: clinical testing. Allele origin: germline.
Comment: the same text as in the submission from Illumina Laboratory Services, Illumina above.

Illumina Laboratory Services, Illumina
Classification: Benign for Nephrotic syndrome, type 4. Last evaluated: 2018-01-13. Review status: criteria provided, single submitter. Criteria: ICSL Variant Classification Criteria 13 December 2019. Collection method: clinical testing. Allele origin: germline.
Comment: the same text as in the submission from Illumina Laboratory Services, Illumina above.

Breakthrough Genomics
Classification: Benign. Review status: criteria provided, single submitter. Criteria: ACMG Guidelines, 2015. Collection method: not provided. Allele origin: germline. Inheritance: Autosomal dominant inheritance. Affected: yes.

NM_024426.6(WT1):c.*224A>G

Gene: WT1 (WT1 transcription factor; minus strand). Cytogenetic location: 11p13.
Variant type: single nucleotide variant.
Coding change: c.*224A>G on transcript NM_024426.6 (MANE Select); 224 bases downstream of the stop codon, A replaced by G.
Molecular consequence: 3 prime UTR variant. On other transcripts: non-coding transcript variant (1).
Genome position (GRCh38, 1-based): chr11:32,388,834, T>C on the plus strand (A>G on the coding strand, the complement: WT1 is on the minus strand). VCF-style: chr11-32388834-T-C. GRCh37 (hg19) VCF-style: chr11-32410380-T-C.
Other names: c.*224A>G (NM_000378.6, NM_001198551.2, NM_001198552.2 and 11 more transcripts).
Identifiers: ClinVar variation 304412 (VCV000304412.10), dbSNP rs5030316, ClinGen allele CA10638325.